The following is an entry in ClinVar:

NM_001204.7(BMPR2):c.1726C>A (p.Pro576Thr)

Gene: BMPR2 (bone morphogenetic protein receptor type 2; plus strand). Cytogenetic location: 2q33.2.
Variant type: single nucleotide variant.
Coding change: c.1726C>A on transcript NM_001204.7 (MANE Select); coding-DNA position 1726, C replaced by A.
Protein change: p.Pro576Thr; replaces proline 576 with threonine.
Molecular consequence: missense variant.
Genome position (GRCh38, 1-based): chr2:202,555,391, C>A. VCF-style: chr2-202555391-C-A. GRCh37 (hg19) VCF-style: chr2-203420114-C-A.
Other names: short protein forms P576T.
Identifiers: ClinVar variation 3824949 (VCV003824949.1).

ClinVar aggregate classification (germline): Uncertain significance (1 of 4 stars; one submission).

Conditions:
Inborn genetic diseases. Identifiers: MedGen C0950123, MeSH D030342.

gnomAD v4.1: 1 of 1,614,156 alleles (0.000062%); highest among the groups gnomAD compares: Non-Finnish European, 0.000085%; no homozygotes.

Submission:

Ambry Genetics
Classification: Uncertain significance for Inborn genetic diseases. Last evaluated: 2025-03-05. Review status: criteria provided, single submitter. Criteria: Ambry Variant Classification Scheme 2023. Collection method: clinical testing. Allele origin: germline.
Comment: The p.P576T variant (also known as c.1726C>A), located in coding exon 12 of the BMPR2 gene, results from a C to A substitution at nucleotide position 1726. The proline at codon 576 is replaced by threonine, an amino acid with highly similar properties. This amino acid position is conserved. In addition, the in silico prediction for this alteration is inconclusive. Based on the available evidence, the clinical significance of this variant remains unclear.